The following is an entry in ClinVar:

NM_001165963.4(SCN1A):c.5662C>T (p.Gln1888Ter)

Genes: SCN1A (sodium voltage-gated channel alpha subunit 1; minus strand), LOC102724058 (uncharacterized LOC102724058; plus strand). Cytogenetic location: 2q24.3.
Variant type: single nucleotide variant.
Coding change: c.5662C>T on transcript NM_001165963.4 (MANE Select); coding-DNA position 5662, C replaced by T.
Protein change: p.Gln1888Ter; replaces glutamine 1888 with a stop codon.
Molecular consequence: nonsense. On other transcripts: non-coding transcript variant (1).
Genome position (GRCh38, 1-based): chr2:165,991,613, G>A on the plus strand (C>T on the coding strand, the complement: SCN1A is on the minus strand). VCF-style: chr2-165991613-G-A. GRCh37 (hg19) VCF-style: chr2-166848123-G-A.
Other names: c.5578C>T, p.Gln1860Ter (NM_001165964.3, NM_001353957.2, NM_001353958.2); c.5662C>T, p.Gln1888Ter (NM_001202435.3, NM_001353948.2); c.5629C>T, p.Gln1877Ter (NM_001353949.2, NM_001353950.2, NM_001353951.2 and 2 more transcripts); c.5626C>T, p.Gln1876Ter (NM_001353954.2, NM_001353955.2); c.5575C>T, p.Gln1859Ter (NM_001353960.2); c.3220C>T, p.Gln1074Ter (NM_001353961.2); short protein forms Q1877*, Q1888*, Q1859*, Q1876*, Q1074*, Q1860*.
Identifiers: ClinVar variation 190019 (VCV000190019.3), dbSNP rs794726845, ClinGen allele CA303571.

ClinVar aggregate classification (germline): Pathogenic. Review status: criteria provided, multiple submitters, no conflicts (2 of 4 stars). 2 submissions from 2 submitters: Pathogenic (2). Last evaluated 2024-07-09.

Conditions:
Early-infantile DEE. Also called: Early infantile epileptic encephalopathy; Ohtahara syndrome; Early infantile epileptic encephalopathy with suppression bursts. Identifiers: Orphanet 1934, MedGen C0393706, MONDO:0800491.
Severe myoclonic epilepsy in infancy (DRVT). Also called: Epileptic encephalopathy, early infantile, 6 (Dravet syndrome); SEVERE MYOCLONIC EPILEPSY OF INFANCY; DEVELOPMENTAL AND EPILEPTIC ENCEPHALOPATHY 6A; Severe Myoclonic Epilepsy in Infancy (SMEI); Dravet syndrome. Identifiers: Orphanet 33069, MedGen C0751122, MONDO:0100135, OMIM 607208.

Submissions (2):

Labcorp Genetics (formerly Invitae), Labcorp
Classification: Pathogenic for Early-infantile DEE. Last evaluated: 2024-07-09. Review status: criteria provided, single submitter. Criteria: Invitae Variant Classification Sherloc (09022015). Collection method: clinical testing. Allele origin: germline.
Comment: This sequence change creates a premature translational stop signal (p.Gln1888*) in the SCN1A gene. While this is not anticipated to result in nonsense mediated decay, it is expected to disrupt the last 122 amino acid(s) of the SCN1A protein. This variant is not present in population databases (gnomAD no frequency). This premature translational stop signal has been observed in individual(s) with Dravet syndrome (PMID: 26096185). In at least one individual the variant was observed to be de novo. ClinVar contains an entry for this variant (Variation ID: 190019). This variant disrupts a region of the SCN1A protein in which other variant(s) (p.Arg1912*) have been determined to be pathogenic (PMID: 14738421, 20522430, 23195492; Invitae). This suggests that this is a clinically significant region of the protein, and that variants that disrupt it are likely to be disease-causing. For these reasons, this variant has been classified as Pathogenic.

Center for Bioinformatics, Peking University
Classification: Pathogenic for Dravet syndrome. Last evaluated: 2014-12-20. Review status: criteria provided, single submitter. Criteria: Xu et al. (Hum Mutat. 2015). Collection method: research. Allele origin: de novo. Affected: yes. Observed: 1 variant allele. Study: University Clinical Cooperation “985 Project” PKU-2014-1-1.
Comment: Dravet syndrome (DS) probands were recruited from the outpatient and inpatient child neurology units of Peking University First Hospital from 2005 till present. The study was approved by the Ethics Committee of Peking University First Hospital and the Institutional Review Board at Peking University. Participants or their parents provided written informed consent before enrollment. We collected a total of 267 mutations from 255 families with probands diagnosed with DS in China. All probands fulfilled the clinical diagnostic criteria.

Literature cited by the submitters: PubMed 26096185 (cited by Labcorp Genetics (formerly Invitae), Labcorp); PubMed 14738421 (cited by Labcorp Genetics (formerly Invitae), Labcorp); PubMed 20522430 (cited by Labcorp Genetics (formerly Invitae), Labcorp); PubMed 23195492 (cited by Labcorp Genetics (formerly Invitae), Labcorp).